The following is an entry in ClinVar:

ClinVar aggregate classification (germline): Uncertain significance (1 of 4 stars; one submission).

Allele frequency attached by ClinVar (database versions not stated): gnomAD 0.00001 and 0.00002; gnomAD exomes 0.00001; TOPMed 0.00002.

Submission:

Labcorp Genetics (formerly Invitae), Labcorp
Classification: Uncertain significance. Last evaluated: 2023-10-05. Review status: criteria provided, single submitter. Criteria: Invitae Variant Classification Sherloc (09022015). Collection method: clinical testing. Allele origin: germline.
Comment: This sequence change replaces proline, which is neutral and non-polar, with serine, which is neutral and polar, at codon 525 of the IRF2BP2 protein (p.Pro525Ser). This variant is present in population databases (no rsID available, gnomAD 0.007%). This variant has not been reported in the literature in individuals affected with IRF2BP2-related conditions. ClinVar contains an entry for this variant (Variation ID: 1473951). An algorithm developed to predict the effect of missense changes on protein structure and function (PolyPhen-2) suggests that this variant is likely to be disruptive. In summary, the available evidence is currently insufficient to determine the role of this variant in disease. Therefore, it has been classified as a Variant of Uncertain Significance.

NM_182972.3(IRF2BP2):c.1573C>T (p.Pro525Ser)

Gene: IRF2BP2 (interferon regulatory factor 2 binding protein 2; minus strand). Cytogenetic location: 1q42.3.
Variant type: single nucleotide variant.
Coding change: c.1573C>T on transcript NM_182972.3 (MANE Select); coding-DNA position 1573, C replaced by T.
Protein change: p.Pro525Ser; replaces proline 525 with serine.
Molecular consequence: missense variant.
Genome position (GRCh38, 1-based): chr1:234,607,328, G>A on the plus strand (C>T on the coding strand, the complement: IRF2BP2 is on the minus strand). VCF-style: chr1-234607328-G-A. GRCh37 (hg19) VCF-style: chr1-234743074-G-A.
Other names: c.1525C>T, p.Pro509Ser (NM_001077397.1); short protein forms P509S, P525S.
Identifiers: ClinVar variation 1473951 (VCV001473951.6), dbSNP rs1182052495, ClinGen allele CA345305208.